The following is an entry in ClinVar:

NM_153252.5(BRWD3):c.2553-13G>T

Gene: BRWD3 (bromodomain and WD repeat domain containing 3; minus strand). Cytogenetic location: Xq21.1.
Variant type: single nucleotide variant.
Coding change: c.2553-13G>T on transcript NM_153252.5 (MANE Select); 13 bases into the intron before coding-DNA position 2553, G replaced by T.
Molecular consequence: intron variant.
Genome position (GRCh38, 1-based): chrX:80,704,859, C>A on the plus strand (G>T on the coding strand, the complement: BRWD3 is on the minus strand). VCF-style: chrX-80704859-C-A. GRCh37 (hg19) VCF-style: chrX-79960358-C-A.
Identifiers: ClinVar variation 2980362 (VCV002980362.3), dbSNP rs2072839047, ClinGen allele CA2440247300.
Genomic context (GRCh38, chrX:80,704,859, plus strand): 5'-TTTATTCCAGCATCTGCTGTCCAATCAGAATATTCACTTGATGAGTCACTGTAAATAAAT[C>A]AAAATTATGGATACCTAAGTATAGAAAAGGAGTAGTTTTACTTAATAATTGAAAGATCAT-3'

ClinVar aggregate classification (germline): Uncertain significance (1 of 4 stars; one submission).

Submission:

Labcorp Genetics (formerly Invitae), Labcorp
Classification: Uncertain significance. Last evaluated: 2023-05-29. Review status: criteria provided, single submitter. Criteria: Invitae Variant Classification Sherloc (09022015). Collection method: clinical testing. Allele origin: germline.
Comment: In summary, the available evidence is currently insufficient to determine the role of this variant in disease. Therefore, it has been classified as a Variant of Uncertain Significance. Algorithms developed to predict the effect of sequence changes on RNA splicing suggest that this variant may disrupt the consensus splice site. This variant has not been reported in the literature in individuals affected with BRWD3-related conditions. This variant is not present in population databases (gnomAD no frequency). This sequence change falls in intron 22 of the BRWD3 gene. It does not directly change the encoded amino acid sequence of the BRWD3 protein.